The following is an entry in ClinVar:

NM_005751.5(AKAP9):c.7124A>G (p.His2375Arg)

Gene: AKAP9 (A-kinase anchoring protein 9; plus strand). Cytogenetic location: 7q21.2.
Variant type: single nucleotide variant.
Coding change: c.7124A>G on transcript NM_005751.5 (MANE Select); coding-DNA position 7124, A replaced by G.
Protein change: p.His2375Arg; replaces histidine 2375 with arginine.
Molecular consequence: missense variant.
Genome position (GRCh38, 1-based): chr7:92,079,257, A>G. VCF-style: chr7-92079257-A-G. GRCh37 (hg19) VCF-style: chr7-91708571-A-G.
Other names: c.1769A>G, p.His590Arg (NM_001379277.1); c.7100A>G, p.His2367Arg (NM_147185.3); short protein forms H2367R, H2375R, H590R.
Identifiers: ClinVar variation 3225088 (VCV003225088.1), dbSNP rs2130860986, ClinGen allele CA368135023.

ClinVar aggregate classification (germline): Uncertain significance (1 of 4 stars; one submission).

Conditions:
Cardiovascular phenotype. Identifiers: MedGen CN230736.

gnomAD v4.1: 1 of 1,614,136 alleles (0.000062%); no homozygotes.

Submission:

Ambry Genetics
Classification: Uncertain significance for Cardiovascular phenotype. Last evaluated: 2023-10-10. Review status: criteria provided, single submitter. Criteria: Ambry Variant Classification Scheme 2023. Collection method: clinical testing. Allele origin: germline.
Comment: The p.H2375R variant (also known as c.7124A>G), located in coding exon 31 of the AKAP9 gene, results from an A to G substitution at nucleotide position 7124. The histidine at codon 2375 is replaced by arginine, an amino acid with highly similar properties. This amino acid position is conserved. In addition, this alteration is predicted to be tolerated by in silico analysis. Since supporting evidence is limited at this time, the clinical significance of this alteration remains unclear.